The following is an entry in ClinVar:

NM_000199.5(SGSH):c.676G>A (p.Val226Ile)

Gene: SGSH (N-sulfoglucosamine sulfohydrolase; minus strand). Cytogenetic location: 17q25.3.
Variant type: single nucleotide variant.
Coding change: c.676G>A on transcript NM_000199.5 (MANE Select); coding-DNA position 676, G replaced by A.
Protein change: p.Val226Ile; replaces valine 226 with isoleucine.
Molecular consequence: missense variant. On other transcripts: non-coding transcript variant (1).
Genome position (GRCh38, 1-based): chr17:80,213,873, C>T on the plus strand (G>A on the coding strand, the complement: SGSH is on the minus strand). VCF-style: chr17-80213873-C-T. GRCh37 (hg19) VCF-style: chr17-78187672-C-T.
Other names: c.676G>A, p.Val226Ile (NM_001352921.3, NM_001352922.2); short protein forms V226I.
Identifiers: ClinVar variation 325840 (VCV000325840.11), dbSNP rs145967352, ClinGen allele CA8817844.
Genomic context (GRCh38, chr17:80,213,873, plus strand): 5'-TGCGGCCGACGGTGGTGTACTGAGCGGCCAGGTCGGCTCGGGCTGCCGGGGTGTTGGGGA[C>T]GAAGTAAGGCACCTGGGGCAGGCGGTGGGGAGCCAGGCTTAGAACAGACAGACCGGGGGA-3'
Protein context (NP_000190.1, residues 216-236): DPLDVLVPYF[Val226Ile]PNTPAARADL

ClinVar aggregate classification (germline): Uncertain significance. Review status: criteria provided, multiple submitters, no conflicts (2 of 4 stars). 4 submissions from 4 submitters: Uncertain significance (4). Last evaluated 2025-01-06.

Conditions:
Inborn genetic diseases. Identifiers: MedGen C0950123, MeSH D030342.
Mucopolysaccharidosis, MPS-III-A (MPS3A). Also called: MUCOPOLYSACCHARIDOSIS, TYPE IIIA, ATTENUATED; Mucopolysaccharidosis type IIIA (Sanfilippo A); mucopolysaccharidosis type 3A; MPS IIIA (Sanfilippo Syndrome Type A); MPS III A; HEPARAN SULFATE SULFATASE DEFICIENCY. Identifiers: Orphanet 581, Orphanet 79269, MedGen C0086647, MONDO:0009655, OMIM 252900.

Allele frequency attached by ClinVar (database versions not stated): gnomAD 0.00017 and 0.00015; TOPMed 0.00025; gnomAD exomes 0.00006; ESP Exome Variant Server 0.00023; ExAC 0.00009.
gnomAD v4.1: 116 of 1,607,848 alleles (0.0072%); highest among the groups gnomAD compares: African/African-American, 0.032%; no homozygotes.

Submissions (4):

Labcorp Genetics (formerly Invitae), Labcorp
Classification: Uncertain significance for Mucopolysaccharidosis, MPS-III-A. Last evaluated: 2025-01-06. Review status: criteria provided, single submitter. Criteria: Invitae Variant Classification Sherloc (09022015). Collection method: clinical testing. Allele origin: germline.
Comment: This sequence change replaces valine, which is neutral and non-polar, with isoleucine, which is neutral and non-polar, at codon 226 of the SGSH protein (p.Val226Ile). This variant is present in population databases (rs145967352, gnomAD 0.04%). This variant has not been reported in the literature in individuals affected with SGSH-related conditions. ClinVar contains an entry for this variant (Variation ID: 325840). Invitae Evidence Modeling of protein sequence and biophysical properties (such as structural, functional, and spatial information, amino acid conservation, physicochemical variation, residue mobility, and thermodynamic stability) indicates that this missense variant is not expected to disrupt SGSH protein function with a negative predictive value of 80%. In summary, the available evidence is currently insufficient to determine the role of this variant in disease. Therefore, it has been classified as a Variant of Uncertain Significance.

Ambry Genetics
Classification: Uncertain significance for Inborn genetic diseases. Last evaluated: 2023-02-17. Review status: criteria provided, single submitter. Criteria: Ambry Variant Classification Scheme 2023. Collection method: clinical testing. Allele origin: germline.

Genome-Nilou Lab
Classification: Uncertain significance for Mucopolysaccharidosis, MPS-III-A. Last evaluated: 2021-11-07. Review status: criteria provided, single submitter. Criteria: ACMG Guidelines, 2015. Collection method: clinical testing. Allele origin: germline. Affected: no.

Illumina Laboratory Services, Illumina
Classification: Uncertain significance for Mucopolysaccharidosis, MPS-III-A. Last evaluated: 2018-01-13. Review status: criteria provided, single submitter. Criteria: ICSL Variant Classification Criteria 13 December 2019. Collection method: clinical testing. Allele origin: germline.